The following is an entry in ClinVar:

NC_000019.9:g.(?_49494539)_(49494760_?)del

Gene: GYS1 (glycogen synthase 1; minus strand). Cytogenetic location: 19q13.33.
Variant type: Deletion.
Identifiers: ClinVar variation 3248454 (VCV003248454.1).

ClinVar aggregate classification (germline): Pathogenic (1 of 4 stars; one submission).

Conditions:
Glycogen storage disease due to muscle and heart glycogen synthase deficiency. Also called: MUSCLE GLYCOGEN SYNTHASE DEFICIENCY; GSD 0b. Identifiers: Orphanet 137625, MedGen C1969054, MONDO:0012693, OMIM 611556.

Submission:

Labcorp Genetics (formerly Invitae), Labcorp
Classification: Pathogenic for Glycogen storage disease due to muscle and heart glycogen synthase deficiency. Last evaluated: 2022-12-06. Review status: criteria provided, single submitter. Criteria: Invitae Variant Classification Sherloc (09022015). Collection method: clinical testing. Allele origin: unknown.
Comment: For these reasons, this variant has been classified as Pathogenic. This variant has not been reported in the literature in individuals affected with GYS1-related conditions. This variant is a gross deletion of the genomic region encompassing exon(s) 2 of the GYS1 gene. This deletion is out-of-frame, and is expected to create a premature termination codon and result in an absent or disrupted protein product. Loss-of-function variants in GYS1 are known to be pathogenic (PMID: 17928598, 19699667).

Literature cited by the submitters: PubMed 17928598; PubMed 19699667.